The following is an entry in ClinVar:

NM_004370.6(COL12A1):c.5516G>T (p.Gly1839Val)

Gene: COL12A1 (collagen type XII alpha 1 chain; minus strand). Cytogenetic location: 6q13.
Variant type: single nucleotide variant.
Coding change: c.5516G>T on transcript NM_004370.6 (MANE Select); coding-DNA position 5516, G replaced by T.
Protein change: p.Gly1839Val; replaces glycine 1839 with valine.
Molecular consequence: missense variant.
Genome position (GRCh38, 1-based): chr6:75,134,734, C>A on the plus strand (G>T on the coding strand, the complement: COL12A1 is on the minus strand). VCF-style: chr6-75134734-C-A. GRCh37 (hg19) VCF-style: chr6-75844450-C-A.
Other names: c.2024G>T, p.Gly675Val (NM_080645.3); short protein forms G675V, G1839V.
Identifiers: ClinVar variation 1518029 (VCV001518029.6), dbSNP rs2149389596, ClinGen allele CA364736091.
Genomic context (GRCh38, chr6:75,134,734, plus strand): 5'-CCATTCTAATAGTAGCTATTAAAGAAGCTATAGGAACTCAGGTTTCACTTACTGGTCTTG[C>A]CTCTTCCCGTCATCCGACCTCCTTCACCATCAGGATACAGAGAGGATACGGTGATAGTGT-3'
Protein context (NP_004361.3, residues 1829-1849): DGEGGRMTGR[Gly1839Val]KTKPLNTVRN

ClinVar aggregate classification (germline): Uncertain significance (1 of 4 stars; one submission).

Conditions:
Ullrich congenital muscular dystrophy 2 (UCMD2). Identifiers: Orphanet 75840, MedGen C4225314, MONDO:0014654, OMIM 616470.
Bethlem myopathy 2 (BTHLM2). Identifiers: Orphanet 536516, Orphanet 610, MedGen C4225313, MONDO:0034022, OMIM 616471.

Submission:

Labcorp Genetics (formerly Invitae), Labcorp
Classification: Uncertain significance for Bethlem myopathy 2; Ullrich congenital muscular dystrophy 2. Last evaluated: 2021-10-09. Review status: criteria provided, single submitter. Criteria: Invitae Variant Classification Sherloc (09022015). Collection method: clinical testing. Allele origin: germline.
Comment: This sequence change replaces glycine with valine at codon 1839 of the COL12A1 protein (p.Gly1839Val). The glycine residue is moderately conserved and there is a moderate physicochemical difference between glycine and valine. This variant is not present in population databases (ExAC no frequency). This variant has not been reported in the literature in individuals affected with COL12A1-related conditions. Algorithms developed to predict the effect of missense changes on protein structure and function are either unavailable or do not agree on the potential impact of this missense change (SIFT: "Deleterious"; PolyPhen-2: "Probably Damaging"; Align-GVGD: "Class C0"). In summary, the available evidence is currently insufficient to determine the role of this variant in disease. Therefore, it has been classified as a Variant of Uncertain Significance.